The following is an entry in ClinVar:

ClinVar aggregate classification (germline): Uncertain significance (1 of 4 stars; one submission).

Conditions:
Amyotrophic lateral sclerosis type 1 (ALS1). Also called: AMYOTROPHIC LATERAL SCLEROSIS 1, FAMILIAL. Identifiers: Orphanet 803, MedGen C1862939, MONDO:0007103, OMIM 105400.
Perry syndrome. Also called: PARKINSONISM WITH ALVEOLAR HYPOVENTILATION AND MENTAL DEPRESSION. Identifiers: Orphanet 178509, MedGen C1868594, MONDO:0008201, OMIM 168605.
Neuronopathy, distal hereditary motor, type 7B. Also called: HMN VIIB; LOWER MOTOR NEURON DISEASE, DYNACTIN TYPE; NEURONOPATHY, DISTAL HEREDITARY MOTOR, AUTOSOMAL DOMINANT 14; NEURONOPATHY, DISTAL HEREDITARY MOTOR, HARDING TYPE VIIB; NEUROPATHY, DISTAL HEREDITARY MOTOR, HARDING TYPE VIIB; NEUROPATHY, DISTAL HEREDITARY MOTOR, WITH VOCAL CORD PARALYSIS, HARDING TYPE VIIB. Identifiers: Orphanet 139589, MedGen C1843315, MONDO:0011879, OMIM 607641.

Allele frequency attached by ClinVar (database versions not stated): gnomAD 0.00001; gnomAD exomes 0.00001; TOPMed 0.00001.
gnomAD v4.1: 8 of 1,614,136 alleles (0.0005%); highest among the groups gnomAD compares: Non-Finnish European, 0.00068%; no homozygotes.

Submission:

Labcorp Genetics (formerly Invitae), Labcorp
Classification: Uncertain significance for Amyotrophic lateral sclerosis type 1; Neuronopathy, distal hereditary motor, type 7B; Perry syndrome. Last evaluated: 2023-02-11. Review status: criteria provided, single submitter. Criteria: Invitae Variant Classification Sherloc (09022015). Collection method: clinical testing. Allele origin: germline.
Comment: Algorithms developed to predict the effect of sequence changes on RNA splicing suggest that this variant may create or strengthen a splice site. This sequence change replaces glutamine, which is neutral and polar, with arginine, which is basic and polar, at codon 772 of the DCTN1 protein (p.Gln772Arg). This variant is not present in population databases (gnomAD no frequency). This variant has not been reported in the literature in individuals affected with DCTN1-related conditions. ClinVar contains an entry for this variant (Variation ID: 1463484). Algorithms developed to predict the effect of missense changes on protein structure and function (SIFT, PolyPhen-2, Align-GVGD) all suggest that this variant is likely to be disruptive. In summary, the available evidence is currently insufficient to determine the role of this variant in disease. Therefore, it has been classified as a Variant of Uncertain Significance.

NM_004082.5(DCTN1):c.2315A>G (p.Gln772Arg)

Gene: DCTN1 (dynactin subunit 1; minus strand). Cytogenetic location: 2p13.1.
Variant type: single nucleotide variant.
Coding change: c.2315A>G on transcript NM_004082.5 (MANE Select); coding-DNA position 2315, A replaced by G.
Protein change: p.Gln772Arg; replaces glutamine 772 with arginine.
Molecular consequence: missense variant. On other transcripts: non-coding transcript variant (1).
Genome position (GRCh38, 1-based): chr2:74,367,046, T>C on the plus strand (A>G on the coding strand, the complement: DCTN1 is on the minus strand). VCF-style: chr2-74367046-T-C. GRCh37 (hg19) VCF-style: chr2-74594173-T-C.
Other names: c.2255A>G, p.Gln752Arg (NM_001135040.3); c.1913A>G, p.Gln638Arg (NM_001135041.3, NM_023019.4); c.2204A>G, p.Gln735Arg (NM_001190836.2); c.2294A>G, p.Gln765Arg (NM_001190837.2); c.2264A>G, p.Gln755Arg (NM_001378991.1); c.2246A>G, p.Gln749Arg (NM_001378992.1); short protein forms Q749R, Q752R, Q638R, Q765R, Q772R, Q755R, Q735R.
Identifiers: ClinVar variation 1463484 (VCV001463484.6), dbSNP rs1648520142, ClinGen allele CA347348359.